The following is an entry in ClinVar:

NC_000019.9:g.(?_39033967)_(39037186_?)del

Gene: RYR1 (ryanodine receptor 1; plus strand). Cytogenetic location: 19q13.2.
Variant type: Deletion.
Identifiers: ClinVar variation 2423267 (VCV002423267.2).

ClinVar aggregate classification (germline): Uncertain significance (1 of 4 stars; one submission).

Conditions:
RYR1-related disorder. Also called: RYR1-related condition; RYR1-related disorders. Identifiers: MedGen CN239331.

Submission:

Labcorp Genetics (formerly Invitae), Labcorp
Classification: Uncertain significance for RYR1-related disorder. Last evaluated: 2022-07-30. Review status: criteria provided, single submitter. Criteria: Invitae Variant Classification Sherloc (09022015). Collection method: clinical testing. Allele origin: germline.
Comment: This variant has not been reported in the literature in individuals affected with RYR1-related conditions. This variant is a gross deletion of the genomic region encompassing exon(s) 85-88 of the RYR1 gene. This variant would be expected to be in-frame, preserving the integrity of the reading frame. Experimental studies and prediction algorithms are not available or were not evaluated, and the functional significance of this variant is currently unknown. This variant disrupts a region of the RYR1 protein in which other variant(s) (p.Met4000del) have been observed in individuals with RYR1-related conditions (PMID: 30611313). This suggests that this is a clinically significant region of the protein, and that variants that disrupt it are likely to be disease-causing. In summary, the available evidence is currently insufficient to determine the role of this variant in disease. Therefore, it has been classified as a Variant of Uncertain Significance.

Literature cited by the submitters: PubMed 30611313.